The following is an entry in ClinVar:

ClinVar aggregate classification (germline): Uncertain significance (1 of 4 stars; one submission).

Conditions:
Microcephaly, normal intelligence and immunodeficiency (NBS). Also called: SEEMANOVA SYNDROME II; IMMUNODEFICIENCY, MICROCEPHALY, AND CHROMOSOMAL INSTABILITY; Nijmegen breakage syndrome; Microcephaly with normal intelligence immunodeficiency and lymphoreticular malignancies; Nonsyndromal microcephaly autosomal recessive with normal intelligence; Seemanova syndrome 2. Identifiers: Orphanet 647, MedGen C0398791, MONDO:0009623, OMIM 251260.

Allele frequency attached by ClinVar (database versions not stated): gnomAD exomes below 0.00001.
gnomAD v4.1: 1 of 1,595,012 alleles (0.000063%); highest among the groups gnomAD compares: Non-Finnish European, 0.000086%; no homozygotes.

Submission:

Labcorp Genetics (formerly Invitae), Labcorp
Classification: Uncertain significance for Microcephaly, normal intelligence and immunodeficiency. Last evaluated: 2022-12-31. Review status: criteria provided, single submitter. Criteria: Invitae Variant Classification Sherloc (09022015). Collection method: clinical testing. Allele origin: germline.
Comment: In summary, the available evidence is currently insufficient to determine the role of this variant in disease. Therefore, it has been classified as a Variant of Uncertain Significance. Algorithms developed to predict the effect of missense changes on protein structure and function are either unavailable or do not agree on the potential impact of this missense change (SIFT: "Tolerated"; PolyPhen-2: "Probably Damaging"; Align-GVGD: "Class C0"). This variant has not been reported in the literature in individuals affected with NBN-related conditions. This variant is not present in population databases (gnomAD no frequency). This sequence change replaces arginine, which is basic and polar, with threonine, which is neutral and polar, at codon 303 of the NBN protein (p.Arg303Thr).

NM_002485.5(NBN):c.908G>C (p.Arg303Thr)

Gene: NBN (nibrin; minus strand). Cytogenetic location: 8q21.3.
Variant type: single nucleotide variant.
Coding change: c.908G>C on transcript NM_002485.5 (MANE Select); coding-DNA position 908, G replaced by C.
Protein change: p.Arg303Thr; replaces arginine 303 with threonine.
Molecular consequence: missense variant.
Genome position (GRCh38, 1-based): chr8:89,964,496, C>G on the plus strand (G>C on the coding strand, the complement: NBN is on the minus strand). VCF-style: chr8-89964496-C-G. GRCh37 (hg19) VCF-style: chr8-90976724-C-G.
Other names: c.662G>C, p.Arg221Thr (NM_001024688.3); short protein forms R221T, R303T.
Identifiers: ClinVar variation 2825311 (VCV002825311.3), dbSNP rs2488285170, ClinGen allele CA371657139.